The following is an entry in ClinVar:

ClinVar aggregate classification (germline): Likely benign. Review status: criteria provided, multiple submitters, no conflicts (2 of 4 stars). 3 submissions from 3 submitters: Likely benign (3). Last evaluated 2026-04-28.

Conditions:
Colorectal cancer, hereditary nonpolyposis, type 7. Identifiers: Orphanet 144, MedGen C1858380, MONDO:0013725, OMIM 614385.

Allele frequency attached by ClinVar (database versions not stated): gnomAD exomes 0.00002; ExAC 0.00003; gnomAD 0.00002; ESP Exome Variant Server 0.00008; TOPMed 0.00003.
gnomAD v4.1: 57 of 1,604,572 alleles (0.0036%); highest among the groups gnomAD compares: Non-Finnish European, 0.0044%; no homozygotes.

Submissions (3):

Myriad Genetics, Inc.
Classification: Likely benign for Colorectal cancer, hereditary nonpolyposis, type 7. Last evaluated: 2026-04-28. Review status: criteria provided, single submitter. Criteria: Myriad Autosomal Dominant, Autosomal Recessive and X-Linked Classification Criteria (2023). Collection method: clinical testing. Allele origin: unknown.
Comment: This variant is considered likely benign. This variant is intronic and is not expected to impact mRNA splicing.

Center for Genomic Medicine, Rigshospitalet, Copenhagen University Hospital
Classification: Likely benign. Last evaluated: 2025-12-29. Review status: criteria provided, single submitter. Criteria: ACMG Guidelines, 2015. Collection method: clinical testing. Allele origin: germline.

Labcorp Genetics (formerly Invitae), Labcorp
Classification: Likely benign for Colorectal cancer, hereditary nonpolyposis, type 7. Last evaluated: 2024-05-18. Review status: criteria provided, single submitter. Criteria: Invitae Variant Classification Sherloc (09022015). Collection method: clinical testing. Allele origin: germline.

NM_001040108.2(MLH3):c.3281-8A>G

Gene: MLH3 (mutL homolog 3; minus strand). Cytogenetic location: 14q24.3.
Variant type: single nucleotide variant.
Coding change: c.3281-8A>G on transcript NM_001040108.2 (MANE Select); 8 bases into the intron before coding-DNA position 3281, A replaced by G.
Molecular consequence: intron variant.
Genome position (GRCh38, 1-based): chr14:75,042,485, T>C on the plus strand (A>G on the coding strand, the complement: MLH3 is on the minus strand). VCF-style: chr14-75042485-T-C. GRCh37 (hg19) VCF-style: chr14-75509188-T-C.
Other names: c.3281-8A>G (NM_014381.3).
Identifiers: ClinVar variation 1101317 (VCV001101317.11), dbSNP rs376532114, ClinGen allele CA7275546.